The following is an entry in ClinVar:

NM_198689.3(KRTAP10-7):c.669T>G (p.Pro223=)

Genes: KRTAP10-7 (keratin associated protein 10-7; plus strand), TSPEAR (thrombospondin type laminin G domain and EAR repeats; minus strand). Cytogenetic location: 21q22.3.
Variant type: single nucleotide variant.
Coding change: c.669T>G on transcript NM_198689.3 (MANE Select); coding-DNA position 669, T replaced by G.
Protein change: p.Pro223=; no amino-acid change (proline 223 retained).
Molecular consequence: synonymous variant. On other transcripts: intron variant (2).
Genome position (GRCh38, 1-based): chr21:44,601,290, T>G. VCF-style: chr21-44601290-T-G. GRCh37 (hg19) VCF-style: chr21-46021205-C-G.
Other names: c.83-33285A>C (NM_144991.3); c.-122-33285A>C (NM_001272037.2).
Identifiers: ClinVar variation 2578917 (VCV002578917.25), dbSNP rs389167, ClinGen allele CA10059618.

ClinVar aggregate classification (germline): Likely benign (1 of 4 stars; one submission).

Submission:

CeGaT Center for Human Genetics Tuebingen
Classification: Likely benign. Last evaluated: 2023-08-01. Review status: criteria provided, single submitter. Criteria: CeGaT Center For Human Genetics Tuebingen Variant Classification Criteria Version 2. Collection method: clinical testing. Allele origin: germline. Affected: yes. Observed: 1 variant allele.
Comment: KRTAP10-7: PM2:Supporting, BP4, BP7